The following is an entry in ClinVar:

NM_005956.4(MTHFD1):c.947T>C (p.Val316Ala)

Gene: MTHFD1 (methylenetetrahydrofolate dehydrogenase, cyclohydrolase and formyltetrahydrofolate synthetase 1; plus strand). Cytogenetic location: 14q23.3.
Variant type: single nucleotide variant.
Coding change: c.947T>C on transcript NM_005956.4 (MANE Select); coding-DNA position 947, T replaced by C.
Protein change: p.Val316Ala; replaces valine 316 with alanine.
Molecular consequence: missense variant.
Genome position (GRCh38, 1-based): chr14:64,425,821, T>C. VCF-style: chr14-64425821-T-C. GRCh37 (hg19) VCF-style: chr14-64892539-T-C.
Other names: c.947T>C, p.Val316Ala (NM_001364837.1); short protein forms V316A.
Identifiers: ClinVar variation 1430021 (VCV001430021.4), dbSNP rs576220487, ClinGen allele CA261835307.
Genomic context (GRCh38, chr14:64,425,821, plus strand): 5'-AGAAATTTAAGCCAGGAAAGTGGATGATTCAGTATAACAACCTTAACCTCAAGACACCTG[T>C]TCCAAGGTAAAAATAAAGTTTTACTGATTTAAAACTTTGTGAATTGTTGGTTTTTAGTTG-3'
Protein context (NP_005947.3, residues 306-326): QYNNLNLKTP[Val316Ala]PSDIDISRSC

ClinVar aggregate classification (germline): Uncertain significance. Review status: criteria provided, multiple submitters, no conflicts (2 of 4 stars). 2 submissions from 2 submitters: Uncertain significance (2). Last evaluated 2022-08-23.

Allele frequency attached by ClinVar (database versions not stated): gnomAD exomes 0.00001; gnomAD 0.00002.
gnomAD v4.1: 14 of 1,613,580 alleles (0.00087%); highest among the groups gnomAD compares: African/African-American, 0.015%; 1 homozygote.

Submissions (2):

Labcorp Genetics (formerly Invitae), Labcorp
Classification: Uncertain significance. Last evaluated: 2022-08-23. Review status: criteria provided, single submitter. Criteria: Invitae Variant Classification Sherloc (09022015). Collection method: clinical testing. Allele origin: germline.
Comment: This sequence change replaces valine, which is neutral and non-polar, with alanine, which is neutral and non-polar, at codon 316 of the MTHFD1 protein (p.Val316Ala). This variant is not present in population databases (gnomAD no frequency). This variant has not been reported in the literature in individuals affected with MTHFD1-related conditions. ClinVar contains an entry for this variant (Variation ID: 1430021). Algorithms developed to predict the effect of missense changes on protein structure and function are either unavailable or do not agree on the potential impact of this missense change (SIFT: "Deleterious"; PolyPhen-2: "Benign"; Align-GVGD: "Class C0"). In summary, the available evidence is currently insufficient to determine the role of this variant in disease. Therefore, it has been classified as a Variant of Uncertain Significance.

Blueprint Genetics
Classification: Uncertain significance. Last evaluated: 2022-04-20. Review status: criteria provided, single submitter. Criteria: ACMG Guidelines, 2015. Collection method: clinical testing. Allele origin: germline.